The following is an entry in ClinVar:

NM_022124.6(CDH23):c.7630T>C (p.Leu2544=)

Gene: CDH23 (cadherin related 23; plus strand). Cytogenetic location: 10q22.1.
Variant type: single nucleotide variant.
Coding change: c.7630T>C on transcript NM_022124.6 (MANE Select); coding-DNA position 7630, T replaced by C.
Protein change: p.Leu2544=; no amino-acid change (leucine 2544 retained).
Molecular consequence: synonymous variant.
Genome position (GRCh38, 1-based): chr10:71,803,045, T>C. VCF-style: chr10-71803045-T-C. GRCh37 (hg19) VCF-style: chr10-73562802-T-C.
Other names: p.Leu2544=; c.910T>C, p.Leu304= (NM_001171933.1, NM_001171934.1).
Identifiers: ClinVar variation 46036 (VCV000046036.49), dbSNP rs114819374, ClinGen allele CA137579.

ClinVar aggregate classification (germline): Conflicting classifications of pathogenicity. Review status: criteria provided, conflicting classifications (1 of 4 stars). 12 submissions from 11 submitters: Uncertain significance (1); Benign (5); Likely benign (3). 3 of the submissions do not count toward it. Last evaluated 2026-02-01.

Conditions:
Usher syndrome type 1 (USH1). Also called: RETINITIS PIGMENTOSA AND CONGENITAL DEAFNESS. Identifiers: Orphanet 231169, Orphanet 886, MedGen C1568247, MONDO:0010168, OMIM 276900.
Autosomal recessive nonsyndromic hearing loss 12. Also called: DEAFNESS, AUTOSOMAL RECESSIVE 12. Identifiers: Orphanet 90636, MedGen C1832394, MONDO:0011067, OMIM 601386.
Usher syndrome type 1D (USH1D). Also called: USHER SYNDROME, TYPE ID. Identifiers: Orphanet 231169, Orphanet 886, MedGen C1832845, MONDO:0010984, OMIM 601067.

Allele frequency attached by ClinVar (database versions not stated): gnomAD exomes 0.00370; ExAC 0.00437; 1000 Genomes Project 0.00739; 1000 Genomes Project 30x 0.00859; gnomAD 0.00896 and 0.00947; TOPMed 0.00934; ESP Exome Variant Server 0.00967.
gnomAD v4.1: 4,716 of 1,613,000 alleles (0.29%); highest among the groups gnomAD compares: African/African-American, 2.7%; 32 homozygotes.

Submissions (12):

Labcorp Genetics (formerly Invitae), Labcorp
Classification: Benign. Last evaluated: 2026-02-01. Review status: criteria provided, single submitter. Criteria: Invitae Variant Classification Sherloc (09022015). Collection method: clinical testing. Allele origin: germline.

Women's Health and Genetics/Laboratory Corporation of America, LabCorp
Classification: Benign. Last evaluated: 2025-11-14. Review status: criteria provided, single submitter. Criteria: LabCorp Variant Classification Summary - May 2015. Collection method: clinical testing. Allele origin: germline.

CeGaT Center for Human Genetics Tuebingen
Classification: Likely benign. Last evaluated: 2023-01-01. Review status: criteria provided, single submitter. Criteria: CeGaT Center For Human Genetics Tuebingen Variant Classification Criteria Version 2. Collection method: clinical testing. Allele origin: germline. Affected: yes. Observed: 1 variant allele.
Comment: CDH23: BP4, BP7

Mayo Clinic Laboratories, Mayo Clinic
Classification: Benign. Last evaluated: 2022-06-29. Review status: criteria provided, single submitter. Criteria: ACMG Guidelines, 2015. Collection method: clinical testing. Allele origin: germline. Observed: 2 variant alleles.
Comment: BA1, BS1, BS2

Illumina Laboratory Services, Illumina
Classification: Uncertain significance for Autosomal recessive nonsyndromic hearing loss 12. Last evaluated: 2017-04-27. Review status: criteria provided, single submitter. Criteria: ICSL Variant Classification Criteria 13 December 2019. Collection method: clinical testing. Allele origin: germline.

Illumina Laboratory Services, Illumina
Classification: Likely benign for Usher syndrome type 1D. Last evaluated: 2017-04-27. Review status: criteria provided, single submitter. Criteria: ICSL Variant Classification Criteria 13 December 2019. Collection method: clinical testing. Allele origin: germline.
Comment: This variant was observed as part of a predisposition screen in an ostensibly healthy population. A literature search was performed for the gene, cDNA change, and amino acid change (where applicable). No publications were found based on this search. Allele frequency data from public databases allowed determination this variant is unlikely to cause disease. Therefore, this variant is classified as likely benign.

Center for Pediatric Genomic Medicine, Children's Mercy Hospital and Clinics
Classification: Likely benign. Last evaluated: 2017-04-11. Review status: criteria provided, single submitter. Criteria: ACMG Guidelines, 2015. Collection method: clinical testing. Allele origin: germline.

GeneDx
Classification: Benign. Last evaluated: 2015-03-03. Review status: criteria provided, single submitter. Criteria: GeneDx Variant Classification Process June 2021. Collection method: clinical testing. Allele origin: germline. Affected: yes.

Laboratory for Molecular Medicine, Mass General Brigham Personalized Medicine
Classification: Benign. Last evaluated: 2012-02-08. Review status: criteria provided, single submitter. Criteria: LMM Criteria. Collection method: clinical testing. Allele origin: germline. Observed: 15 variant alleles.
Comment: Leu2544Leu in exon 54 of CDH23: This variant is not expected to have clinical si gnificance because it does not alter an amino acid residue, is not located withi n the splice consensus sequence, and has been identified in 2.5% (82/3230) of Af rican American chromosomes and 0.14% (10/6716) of European American chromosomes from a broad, though clinically unspecified population (NHLBI Exome Sequencing P roject;, dbSNP rs114819374).

Natera, Inc.
Classification: Benign for Usher syndrome type 1. Last evaluated: 2019-12-03. Review status: no assertion criteria provided. Collection method: clinical testing. Allele origin: germline. Not counted in ClinVar's aggregate classification.

Clinical Genetics DNA and cytogenetics Diagnostics Lab, Erasmus MC, Erasmus Medical Center
Classification: Likely benign. Review status: no assertion criteria provided. Collection method: clinical testing. Allele origin: germline. Affected: yes. Study: VKGL Data-share Consensus. Not counted in ClinVar's aggregate classification.

Clinical Genetics, Academic Medical Center
Classification: Likely benign. Review status: no assertion criteria provided. Collection method: clinical testing. Allele origin: germline. Affected: yes. Study: VKGL Data-share Consensus. Not counted in ClinVar's aggregate classification.

Literature cited by the submitters: PubMed 18429043 (cited by Laboratory for Molecular Medicine, Mass General Brigham Personalized Medicine); PubMed 20146813 (cited by Laboratory for Molecular Medicine, Mass General Brigham Personalized Medicine).